The following is an entry in ClinVar:

NM_139058.3(ARX):c.1488C>T (p.Thr496=)

Gene: ARX (aristaless related homeobox; minus strand). Cytogenetic location: Xp21.3.
Variant type: single nucleotide variant.
Coding change: c.1488C>T on transcript NM_139058.3 (MANE Select); coding-DNA position 1488, C replaced by T.
Protein change: p.Thr496=; no amino-acid change (threonine 496 retained).
Molecular consequence: synonymous variant.
Genome position (GRCh38, 1-based): chrX:25,004,871, G>A on the plus strand (C>T on the coding strand, the complement: ARX is on the minus strand). VCF-style: chrX-25004871-G-A. GRCh37 (hg19) VCF-style: chrX-25022988-G-A.
Identifiers: ClinVar variation 697948 (VCV000697948.34), dbSNP rs773666007, ClinGen allele CA10373775.
Genomic context (GRCh38, chrX:25,004,871, plus strand): 5'-GGCGCCCGATGCCACTGCGCCCTCCACGGCGGGTGTGGGCTGTCTCAGGAGCGCGGCCGC[G>A]GTCGACGCGCTGGTCAGGGGGGCCATTGTGGAAAAGAGCCTGCAGGGAGAGCAAACAGCG-3'
Protein context (NP_620689.1, residues 486-506): STMAPLTSAS[Thr496=]AAALLRQPTP

ClinVar aggregate classification (germline): Likely benign. Review status: criteria provided, multiple submitters, no conflicts (2 of 4 stars). 3 submissions from 3 submitters: Likely benign (3). Last evaluated 2026-01-26.

Conditions:
Developmental and epileptic encephalopathy, 1 (DEE1). Also called: Epileptic encephalopathy, early infantile, 1; X-linked infantile spasms; West's syndrome; Tonic spasms with clustering, arrest of psychomotor development and hypsarrhythmia on EEG; X-Linked Infantile Spasm Syndrome; OHTAHARA SYNDROME, X-LINKED. Identifiers: MedGen C3463992, MONDO:0010632, OMIM 308350. Disease mechanism: loss of function.
Intellectual disability, X-linked, with or without seizures, ARX-related. Also called: Mental retardation, X-linked 52; MENTAL RETARDATION, X-LINKED 29; MENTAL RETARDATION, X-LINKED 32; MENTAL RETARDATION, X-LINKED 33; MENTAL RETARDATION, X-LINKED 38; MENTAL RETARDATION, X-LINKED 43. Identifiers: Orphanet 777, MedGen C0796244, MONDO:0010317, OMIM 300419.

Allele frequency attached by ClinVar (database versions not stated): TOPMed 0.00002; gnomAD exomes 0.00004; gnomAD 0.00009 and 0.00010; ExAC 0.00010.
gnomAD v4.1: 59 of 1,147,763 alleles (0.0051%); highest among the groups gnomAD compares: Non-Finnish European, 0.0066%; no homozygotes.

Submissions (3):

Labcorp Genetics (formerly Invitae), Labcorp
Classification: Likely benign for Developmental and epileptic encephalopathy, 1; Intellectual disability, X-linked, with or without seizures, ARX-related. Last evaluated: 2026-01-26. Review status: criteria provided, single submitter. Criteria: Invitae Variant Classification Sherloc (09022015). Collection method: clinical testing. Allele origin: germline.

CeGaT Center for Human Genetics Tuebingen
Classification: Likely benign. Last evaluated: 2025-12-01. Review status: criteria provided, single submitter. Criteria: CeGaT Center For Human Genetics Tuebingen Variant Classification Criteria Version 2. Collection method: clinical testing. Allele origin: germline. Affected: yes. Observed: 2 variant alleles.
Comment: ARX: BP4, BP7, BS2

Blueprint Genetics
Classification: Likely benign. Last evaluated: 2024-10-04. Review status: criteria provided, single submitter. Criteria: ACMG Guidelines, 2015. Collection method: clinical testing. Allele origin: germline.